The following is an entry in ClinVar:

ClinVar aggregate classification (germline): Uncertain significance (1 of 4 stars; one submission).

Conditions:
Hereditary cancer-predisposing syndrome. Also called: Neoplastic Syndromes, Hereditary; Tumor predisposition; Hereditary Cancer Syndrome; Hereditary neoplastic syndrome. Identifiers: Orphanet 140162, MedGen C0027672, MeSH D009386, MONDO:0015356.

Submission:

Ambry Genetics
Classification: Uncertain significance for Hereditary cancer-predisposing syndrome. Last evaluated: 2026-03-29. Review status: criteria provided, single submitter. Criteria: Ambry Variant Classification Scheme 2023. Collection method: clinical testing. Allele origin: germline.
Comment: The p.V378F variant (also known as c.1132G>T), located in coding exon 10 of the MRE11A gene, results from a G to T substitution at nucleotide position 1132. The valine at codon 378 is replaced by phenylalanine, an amino acid with highly similar properties. This amino acid position is conserved. In addition, this alteration is predicted to be tolerated by in silico analysis. Based on the available evidence, the clinical significance of this variant remains unclear.

NM_005591.4(MRE11):c.1132G>T (p.Val378Phe)

Gene: MRE11 (MRE11 double strand break repair nuclease; minus strand). Cytogenetic location: 11q21.
Variant type: single nucleotide variant.
Coding change: c.1132G>T on transcript NM_005591.4 (MANE Select); coding-DNA position 1132, G replaced by T.
Protein change: p.Val378Phe; replaces valine 378 with phenylalanine.
Molecular consequence: missense variant.
Genome position (GRCh38, 1-based): chr11:94,464,206, C>A on the plus strand (G>T on the coding strand, the complement: MRE11 is on the minus strand). VCF-style: chr11-94464206-C-A. GRCh37 (hg19) VCF-style: chr11-94197372-C-A.
Other names: c.787G>T, p.Val263Phe (NM_001440483.1, NM_001440484.1, NM_001440482.1); c.664G>T, p.Val222Phe (NM_001440485.1, NM_001440486.1, NM_001440487.1); c.1132G>T, p.Val378Phe (NM_005590.4, NM_001330347.2, NM_001440460.1 and 15 more transcripts); c.1057G>T, p.Val353Phe (NM_001440471.1, NM_001440472.1, NM_001440479.1); c.1051G>T, p.Val351Phe (NM_001440473.1, NM_001440477.1, NM_001440478.1); short protein forms V222F, V263F, V351F, V353F, V378F.
Identifiers: ClinVar variation 4860271 (VCV004860271.1).